The following is an entry in ClinVar:

NM_001146.5(ANGPT1):c.932A>G (p.Lys311Arg)

Gene: ANGPT1 (angiopoietin 1; minus strand). Cytogenetic location: 8q23.1.
Variant type: single nucleotide variant.
Coding change: c.932A>G on transcript NM_001146.5 (MANE Select); coding-DNA position 932, A replaced by G.
Protein change: p.Lys311Arg; replaces lysine 311 with arginine.
Molecular consequence: missense variant.
Genome position (GRCh38, 1-based): chr8:107,303,244, T>C on the plus strand (A>G on the coding strand, the complement: ANGPT1 is on the minus strand). VCF-style: chr8-107303244-T-C. GRCh37 (hg19) VCF-style: chr8-108315472-T-C.
Other names: c.929A>G, p.Lys310Arg (NM_001199859.3); c.332A>G, p.Lys111Arg (NM_001314051.2); short protein forms K111R, K310R, K311R.
Identifiers: ClinVar variation 1514840 (VCV001514840.6), dbSNP rs1814635852, ClinGen allele CA372033205.
Genomic context (GRCh38, chr8:107,303,244, plus strand): 5'-CAGCAATTCAACTGGGATCTGGCTTACATCTTGTAAACAAACACTTCTGGTTTTACCTTT[T>C]TGGGTTCTGGCATATTATTAATATAAATAGTGTAGATTCCACTTTTATTAAAACCAGCTT-3'
Protein context (NP_001137.2, residues 301-321): TIYINNMPEP[Lys311Arg]KVFCNMDVNG

ClinVar aggregate classification (germline): Uncertain significance (1 of 4 stars; one submission).

Submission:

Labcorp Genetics (formerly Invitae), Labcorp
Classification: Uncertain significance. Last evaluated: 2022-07-25. Review status: criteria provided, single submitter. Criteria: Invitae Variant Classification Sherloc (09022015). Collection method: clinical testing. Allele origin: germline.
Comment: In summary, the available evidence is currently insufficient to determine the role of this variant in disease. Therefore, it has been classified as a Variant of Uncertain Significance. Algorithms developed to predict the effect of missense changes on protein structure and function are either unavailable or do not agree on the potential impact of this missense change (SIFT: "Tolerated"; PolyPhen-2: "Possibly Damaging"; Align-GVGD: "Class C0"). ClinVar contains an entry for this variant (Variation ID: 1514840). This variant has not been reported in the literature in individuals affected with ANGPT1-related conditions. This variant is not present in population databases (gnomAD no frequency). This sequence change replaces lysine, which is basic and polar, with arginine, which is basic and polar, at codon 311 of the ANGPT1 protein (p.Lys311Arg).